The following is an entry in ClinVar:

ClinVar aggregate classification (germline): Uncertain significance (1 of 4 stars; one submission).

Conditions:
Mosaic variegated aneuploidy syndrome 2 (MVA2). Identifiers: Orphanet 1052, MedGen C3279843, MONDO:0013582, OMIM 614114.

Submission:

Labcorp Genetics (formerly Invitae), Labcorp
Classification: Uncertain significance for Mosaic variegated aneuploidy syndrome 2. Last evaluated: 2022-06-13. Review status: criteria provided, single submitter. Criteria: Invitae Variant Classification Sherloc (09022015). Collection method: clinical testing. Allele origin: germline.
Comment: This variant is not present in population databases (gnomAD no frequency). In summary, the available evidence is currently insufficient to determine the role of this variant in disease. Therefore, it has been classified as a Variant of Uncertain Significance. Experimental studies and prediction algorithms are not available or were not evaluated, and the functional significance of this variant is currently unknown. This variant has not been reported in the literature in individuals affected with CEP57-related conditions. This variant, c.1357_1362del, results in the deletion of 2 amino acid(s) of the CEP57 protein (p.Arg453_Ser454del), but otherwise preserves the integrity of the reading frame.

NM_014679.5(CEP57):c.1357_1362del (p.Arg453_Ser454del)

Gene: CEP57 (centrosomal protein 57; plus strand). Cytogenetic location: 11q21.
Variant type: Deletion.
Coding change: c.1357_1362del on transcript NM_014679.5 (MANE Select); coding-DNA positions 1357 to 1362, 6 bases deleted (CGTTCT; older notation c.1357_1362delCGTTCT).
Protein change: p.Arg453_Ser454del.
Molecular consequence: inframe deletion.
Genome position (GRCh38, 1-based): chr11:95,831,110-95,831,115, CGTTCT deleted. VCF-style (leftmost placement, unchanged base first): chr11-95831109-CCGTTCT-C. GRCh37 (hg19) VCF-style: chr11-95564273-CCGTTCT-C.
Other names: c.1330_1335del, p.Arg444_Ser445del (NM_001243776.2); c.1279_1284del, p.Arg427_Ser428del (NM_001243777.2); c.1276_1281del, p.Arg426_Ser427del (NM_001363604.2).
Identifiers: ClinVar variation 2005632 (VCV002005632.4), dbSNP rs2496352211, ClinGen allele CA2580085077.